The following is an entry in ClinVar:

NM_001347721.2(DYRK1A):c.636A>G (p.Ile212Met)

Gene: DYRK1A (dual specificity tyrosine phosphorylation regulated kinase 1A; plus strand). Cytogenetic location: 21q22.13.
Variant type: single nucleotide variant.
Coding change: c.636A>G on transcript NM_001347721.2 (MANE Select); coding-DNA position 636, A replaced by G.
Protein change: p.Ile212Met; replaces isoleucine 212 with methionine.
Molecular consequence: missense variant.
Genome position (GRCh38, 1-based): chr21:37,486,613, A>G. VCF-style: chr21-37486613-A-G. GRCh37 (hg19) VCF-style: chr21-38858915-A-G.
Other names: c.636A>G, p.Ile212Met (NM_001347722.2, NM_130436.2); c.549A>G, p.Ile183Met (NM_001347723.2); c.663A>G, p.Ile221Met (NM_001396.5, NM_101395.2, NM_130438.2); short protein forms I183M, I212M, I221M.
Identifiers: ClinVar variation 1314517 (VCV001314517.3), dbSNP rs2148601089, ClinGen allele CA409946229.

ClinVar aggregate classification (germline): Uncertain significance (1 of 4 stars; one submission).

Submission:

GeneDx
Classification: Uncertain significance. Last evaluated: 2023-10-27. Review status: criteria provided, single submitter. Criteria: GeneDx Variant Classification Process June 2021. Collection method: clinical testing. Allele origin: germline. Affected: yes.
Comment: Not observed at significant frequency in large population cohorts (gnomAD); In silico analysis supports that this missense variant has a deleterious effect on protein structure/function; Has not been previously published as pathogenic or benign to our knowledge